The following is an entry in ClinVar:

NM_032608.7(MYO18B):c.97A>T (p.Ile33Phe)

Gene: MYO18B (myosin XVIIIB; plus strand). Cytogenetic location: 22q12.1.
Variant type: single nucleotide variant.
Coding change: c.97A>T on transcript NM_032608.7 (MANE Select); coding-DNA position 97, A replaced by T.
Protein change: p.Ile33Phe; replaces isoleucine 33 with phenylalanine.
Molecular consequence: missense variant.
Genome position (GRCh38, 1-based): chr22:25,763,288, A>T. VCF-style: chr22-25763288-A-T. GRCh37 (hg19) VCF-style: chr22-26159255-A-T.
Other names: c.97A>T, p.Ile33Phe (NM_001318245.2); short protein forms I33F.
Identifiers: ClinVar variation 1900660 (VCV001900660.5), dbSNP rs2517622449, ClinGen allele CA410999869.
Genomic context (GRCh38, chr22:25,763,288, plus strand): 5'-CAGATTCGGGAAGAGGACAAGAGCCCTCCACCATCCTCGCCCCCTCCTCTTTTCTCTGTC[A>T]TCCCAGGGGGCTTCATTAAGCAACTGGTCCGGGGGACTGAAAAAGAGGCCAAGGAAGCGA-3'
Protein context (NP_115997.5, residues 23-43): PSSPPPLFSV[Ile33Phe]PGGFIKQLVR

ClinVar aggregate classification (germline): Uncertain significance (1 of 4 stars; one submission).

Submission:

Labcorp Genetics (formerly Invitae), Labcorp
Classification: Uncertain significance. Last evaluated: 2022-09-27. Review status: criteria provided, single submitter. Criteria: Invitae Variant Classification Sherloc (09022015). Collection method: clinical testing. Allele origin: germline.
Comment: In summary, the available evidence is currently insufficient to determine the role of this variant in disease. Therefore, it has been classified as a Variant of Uncertain Significance. Algorithms developed to predict the effect of sequence changes on RNA splicing suggest that this variant may disrupt the consensus splice site. Algorithms developed to predict the effect of missense changes on protein structure and function are either unavailable or do not agree on the potential impact of this missense change (SIFT: "Not Available"; PolyPhen-2: "Probably Damaging"; Align-GVGD: "Not Available"). This variant has not been reported in the literature in individuals affected with MYO18B-related conditions. This variant is not present in population databases (gnomAD no frequency). This sequence change replaces isoleucine, which is neutral and non-polar, with phenylalanine, which is neutral and non-polar, at codon 33 of the MYO18B protein (p.Ile33Phe).